The following is an entry in ClinVar:

ClinVar aggregate classification (germline): Uncertain significance (1 of 4 stars; one submission).

Conditions:
Primary ciliary dyskinesia. Also called: Ciliary dyskinesia. Identifiers: Orphanet 244, MedGen C0008780, MONDO:0016575, HP:0012265.

Submission:

Labcorp Genetics (formerly Invitae), Labcorp
Classification: Uncertain significance for Primary ciliary dyskinesia. Last evaluated: 2024-11-19. Review status: criteria provided, single submitter. Criteria: Invitae Variant Classification Sherloc (09022015). Collection method: clinical testing. Allele origin: germline.
Comment: This sequence change replaces threonine, which is neutral and polar, with serine, which is neutral and polar, at codon 4045 of the DNAH11 protein (p.Thr4045Ser). This variant is not present in population databases (gnomAD no frequency). This variant has not been reported in the literature in individuals affected with DNAH11-related conditions. Invitae Evidence Modeling of protein sequence and biophysical properties (such as structural, functional, and spatial information, amino acid conservation, physicochemical variation, residue mobility, and thermodynamic stability) indicates that this missense variant is not expected to disrupt DNAH11 protein function with a negative predictive value of 95%. In summary, the available evidence is currently insufficient to determine the role of this variant in disease. Therefore, it has been classified as a Variant of Uncertain Significance.

NM_001277115.2(DNAH11):c.12134C>G (p.Thr4045Ser)

Gene: DNAH11 (dynein axonemal heavy chain 11; plus strand). Cytogenetic location: 7p15.3.
Variant type: single nucleotide variant.
Coding change: c.12134C>G on transcript NM_001277115.2 (MANE Select); coding-DNA position 12134, C replaced by G.
Protein change: p.Thr4045Ser; replaces threonine 4045 with serine.
Molecular consequence: missense variant.
Genome position (GRCh38, 1-based): chr7:21,873,440, C>G. VCF-style: chr7-21873440-C-G. GRCh37 (hg19) VCF-style: chr7-21913058-C-G.
Other names: short protein forms T4045S.
Identifiers: ClinVar variation 3636719 (VCV003636719.2).